The following is an entry in ClinVar:

NM_015215.4(CAMTA1):c.4684A>G (p.Lys1562Glu)

Gene: CAMTA1 (calmodulin binding transcription activator 1; plus strand). Cytogenetic location: 1p36.23.
Variant type: single nucleotide variant.
Coding change: c.4684A>G on transcript NM_015215.4 (MANE Select); coding-DNA position 4684, A replaced by G.
Protein change: p.Lys1562Glu; replaces lysine 1562 with glutamic acid.
Molecular consequence: missense variant.
Genome position (GRCh38, 1-based): chr1:7,747,776, A>G. VCF-style: chr1-7747776-A-G. GRCh37 (hg19) VCF-style: chr1-7807836-A-G.
Other names: c.4594A>G, p.Lys1532Glu (NM_001349608.2); c.4345A>G, p.Lys1449Glu (NM_001349609.2, NM_001349610.2, NM_001410737.1); c.4255A>G, p.Lys1419Glu (NM_001349612.2); c.1813A>G, p.Lys605Glu (NM_001349613.1); c.1756A>G, p.Lys586Glu (NM_001349614.1, NM_001349615.2, NM_001349616.2 and 2 more transcripts); c.1417A>G, p.Lys473Glu (NM_001349619.2, NM_001349620.1, NM_001349621.1 and 5 more transcripts); c.4273A>G, p.Lys1425Glu (NM_001410738.1); short protein forms K1419E, K1425E, K1449E, K1532E, K1562E, K473E, K586E, K605E.
Identifiers: ClinVar variation 3902040 (VCV003902040.1).

ClinVar aggregate classification (germline): Uncertain significance (1 of 4 stars; one submission).

Conditions:
Cerebellar dysfunction with variable cognitive and behavioral abnormalities (CECBA). Also called: Nonprogressive cerebellar atxia with intellectual disability. Identifiers: Orphanet 314647, MedGen C3553661, MONDO:0013886, OMIM 614756.

Submission:

Laboratorio de Genetica e Diagnostico Molecular, Hospital Israelita Albert Einstein
Classification: Uncertain significance for Cerebellar dysfunction with variable cognitive and behavioral abnormalities. Last evaluated: 2023-02-24. Review status: criteria provided, single submitter. Criteria: ACMG Guidelines, 2015. Collection method: clinical testing. Allele origin: germline. Affected: yes.
Comment: ACMG classification criteria: PM2 moderate, PP3 supporting